The following is an entry in ClinVar:

ClinVar aggregate classification (germline): Pathogenic (1 of 4 stars; one submission).

Submission:

Labcorp Genetics (formerly Invitae), Labcorp
Classification: Pathogenic. Last evaluated: 2022-10-13. Review status: criteria provided, single submitter. Criteria: Invitae Variant Classification Sherloc (09022015). Collection method: clinical testing. Allele origin: germline.
Comment: For these reasons, this variant has been classified as Pathogenic. Variants that disrupt the consensus splice site are a relatively common cause of aberrant splicing (PMID: 17576681, 9536098). Algorithms developed to predict the effect of sequence changes on RNA splicing suggest that this variant may disrupt the consensus splice site. Disruption of this splice site has been observed in individual(s) with Stargardt disease (PMID: 26161775, 30060493). This variant is not present in population databases (gnomAD no frequency). This sequence change affects a donor splice site in intron 49 of the ABCA4 gene. While this variant is not anticipated to result in nonsense mediated decay, it likely alters RNA splicing and results in a disrupted protein product.

Literature cited by the submitters: PubMed 17576681; PubMed 9536098; PubMed 26161775; PubMed 30060493.

NM_000350.3(ABCA4):c.6816+1G>C

Gene: ABCA4 (ATP binding cassette subfamily A member 4; minus strand). Cytogenetic location: 1p22.1.
Variant type: single nucleotide variant.
Coding change: c.6816+1G>C on transcript NM_000350.3 (MANE Select); the canonical splice donor site of the intron after coding-DNA position 6816, G replaced by C.
Molecular consequence: splice donor variant.
Genome position (GRCh38, 1-based): chr1:93,996,108, C>G on the plus strand (G>C on the coding strand, the complement: ABCA4 is on the minus strand). VCF-style: chr1-93996108-C-G. GRCh37 (hg19) VCF-style: chr1-94461664-C-G.
Identifiers: ClinVar variation 2035425 (VCV002035425.4), dbSNP rs773599043, ClinGen allele CA341275663.